The following is an entry in ClinVar:

NM_001371623.1(TCOF1):c.2728G>T (p.Gly910Trp)

Gene: TCOF1 (treacle ribosome biogenesis factor 1; plus strand). Cytogenetic location: 5q32.
Variant type: single nucleotide variant.
Coding change: c.2728G>T on transcript NM_001371623.1 (MANE Select); coding-DNA position 2728, G replaced by T.
Protein change: p.Gly910Trp; replaces glycine 910 with tryptophan.
Molecular consequence: missense variant.
Genome position (GRCh38, 1-based): chr5:150,379,601, G>T. VCF-style: chr5-150379601-G-T. GRCh37 (hg19) VCF-style: chr5-149759164-G-T.
Other names: c.2497G>T, p.Gly833Trp (NM_000356.4, NM_001135245.2, NM_001437406.1); c.2728G>T, p.Gly910Trp (NM_001008657.3, NM_001135243.2, NM_001135244.2 and 1 more transcripts); short protein forms G910W, G833W.
Identifiers: ClinVar variation 4992387 (VCV004992387.1).

ClinVar aggregate classification (germline): Uncertain significance (1 of 4 stars; one submission).

Conditions:
TCOF1-related disorder. Also called: TCOF1-related condition.

Submission:

PreventionGenetics, part of Exact Sciences
Classification: Uncertain significance for TCOF1-related condition. Last evaluated: 2025-10-02. Review status: criteria provided, single submitter. Criteria: ACMG Guidelines, 2015. Collection method: clinical testing. Allele origin: germline.
Comment: The TCOF1 c.2728G>T variant is predicted to result in the amino acid substitution p.Gly910Trp. To our knowledge, this variant has not been reported in the literature or in a large population database (gnomAD), indicating this variant is rare. At this time, the clinical significance of this variant is uncertain due to the absence of conclusive functional and genetic evidence.